The following is an entry in ClinVar:

ClinVar aggregate classification (germline): Uncertain significance (1 of 4 stars; one submission).

Conditions:
FG syndrome (FGS). Identifiers: MedGen C0220769, MONDO:0002010.

Submission:

Labcorp Genetics (formerly Invitae), Labcorp
Classification: Uncertain significance for FG syndrome. Last evaluated: 2024-05-02. Review status: criteria provided, single submitter. Criteria: Invitae Variant Classification Sherloc (09022015). Collection method: clinical testing. Allele origin: germline.
Comment: This sequence change replaces methionine, which is neutral and non-polar, with leucine, which is neutral and non-polar, at codon 1366 of the MED12 protein (p.Met1366Leu). This variant is not present in population databases (gnomAD no frequency). This variant has not been reported in the literature in individuals affected with MED12-related conditions. Advanced modeling of protein sequence and biophysical properties (such as structural, functional, and spatial information, amino acid conservation, physicochemical variation, residue mobility, and thermodynamic stability) has been performed at Invitae for this missense variant, however the output from this modeling did not meet the statistical confidence thresholds required to predict the impact of this variant on MED12 protein function. In summary, the available evidence is currently insufficient to determine the role of this variant in disease. Therefore, it has been classified as a Variant of Uncertain Significance.

NM_005120.3(MED12):c.4096A>C (p.Met1366Leu)

Gene: MED12 (mediator complex subunit 12; plus strand). Cytogenetic location: Xq13.1.
Variant type: single nucleotide variant.
Coding change: c.4096A>C on transcript NM_005120.3 (MANE Select); coding-DNA position 4096, A replaced by C.
Protein change: p.Met1366Leu; replaces methionine 1366 with leucine.
Molecular consequence: missense variant.
Genome position (GRCh38, 1-based): chrX:71,131,598, A>C. VCF-style: chrX-71131598-A-C. GRCh37 (hg19) VCF-style: chrX-70351448-A-C.
Other names: short protein forms M1366L.
Identifiers: ClinVar variation 3634966 (VCV003634966.2).